The following is an entry in ClinVar:

ClinVar aggregate classification (germline): Benign/Likely benign. Review status: criteria provided, multiple submitters, no conflicts (2 of 4 stars). 9 submissions from 9 submitters: Benign (3); Likely benign (6). Last evaluated 2026-01-28.

Conditions:
Lynch syndrome. Identifiers: Orphanet 144, MedGen C4552100, MONDO:0005835. Disease mechanism: loss of function.
Breast and/or ovarian cancer. Identifiers: MedGen CN221562.
Lynch syndrome 4 (LYNCH4). Also called: Colorectal cancer, hereditary nonpolyposis, type 4; Hereditary non-polyposis colorectal cancer, type 4. Identifiers: Orphanet 144, MedGen C1838333, MONDO:0013699, OMIM 614337. Disease mechanism: loss of function.
Hereditary cancer-predisposing syndrome. Also called: Tumor predisposition; Hereditary Cancer Syndrome; Neoplastic Syndromes, Hereditary; Hereditary neoplastic syndrome. Identifiers: Orphanet 140162, MedGen C0027672, MeSH D009386, MONDO:0015356.
Hereditary nonpolyposis colorectal neoplasms. Identifiers: MedGen C0009405, MeSH D003123.
Mismatch repair cancer syndrome 1 (MMRCS1). Also called: MISMATCH REPAIR DEFICIENCY; MMR DEFICIENCY; BRAIN TUMOR-POLYPOSIS SYNDROME 1; BTP1 SYNDROME; CHILDHOOD CANCER SYNDROME. Identifiers: Orphanet 252202, MedGen C5399763, MONDO:0010159, OMIM 276300. Disease mechanism: loss of function.

Allele frequency attached by ClinVar (database versions not stated): gnomAD below 0.00001 and 0.00004; TOPMed 0.00002; gnomAD exomes 0.00007 and 0.00013; 1000 Genomes Project 30x 0.00016; 1000 Genomes Project 0.00020; ExAC 0.00020.
gnomAD v4.1: 99 of 1,558,792 alleles (0.0064%); highest among the groups gnomAD compares: South Asian, 0.089%; no homozygotes.

Submissions (9):

Labcorp Genetics (formerly Invitae), Labcorp
Classification: Benign for Hereditary nonpolyposis colorectal neoplasms. Last evaluated: 2026-01-28. Review status: criteria provided, single submitter. Criteria: Invitae Variant Classification Sherloc (09022015). Collection method: clinical testing. Allele origin: germline.

Myriad Genetics, Inc.
Classification: Benign for Lynch syndrome 4. Last evaluated: 2024-10-10. Review status: criteria provided, single submitter. Criteria: Myriad Autosomal Dominant, Autosomal Recessive and X-Linked Classification Criteria (2023). Collection method: clinical testing. Allele origin: unknown.
Comment: This variant is considered benign. This variant is intronic and is not expected to impact mRNA splicing. Homozygosity for this variant has been confirmed in one or more individuals lacking clinical features consistent with gene-specific recessive disease, indicating that this variant is unlikely to be pathogenic.

Blueprint Genetics
Classification: Likely benign. Last evaluated: 2024-06-10. Review status: criteria provided, single submitter. Criteria: ACMG Guidelines, 2015. Collection method: clinical testing. Allele origin: germline.

All of Us Research Program, National Institutes of Health
Classification: Likely benign for Lynch syndrome. Last evaluated: 2023-12-01. Review status: criteria provided, single submitter. Criteria: ACMG Guidelines, 2015. Collection method: clinical testing. Allele origin: germline. Inheritance: Autosomal dominant inheritance. Observed: 4 variant alleles, 4 heterozygotes.
Comment: This study involves interpretation of variants in research participants for the purpose of population health screening. Participant phenotype was not available at the time of variant classification. Additional details can be found in publication PMID: 35346344, PMCID: PMC8962531

Sema4
Classification: Likely benign for Hereditary cancer-predisposing syndrome. Last evaluated: 2022-02-26. Review status: criteria provided, single submitter. Criteria: Sema4 Curation Guidelines. Collection method: curation. Allele origin: germline.

CHEO Genetics Diagnostic Laboratory, Children's Hospital of Eastern Ontario
Classification: Likely benign for Breast and/or ovarian cancer. Last evaluated: 2022-02-01. Review status: criteria provided, single submitter. Criteria: ACMG Guidelines, 2015. Collection method: clinical testing. Allele origin: germline.

Department of Pathology and Laboratory Medicine, Sinai Health System
Classification: Likely benign for mismatch repair cancer syndrome 1. Last evaluated: 2020-07-28. Review status: criteria provided, single submitter. Criteria: ACMG Guidelines, 2015. Collection method: clinical testing. Allele origin: germline. Affected: no.

Color Diagnostics, LLC DBA Color Health
Classification: Likely benign for Hereditary cancer-predisposing syndrome. Last evaluated: 2016-08-26. Review status: criteria provided, single submitter. Criteria: ACMG Guidelines, 2015. Collection method: clinical testing. Allele origin: germline.

GeneDx
Classification: Benign. Last evaluated: 2015-03-03. Review status: criteria provided, single submitter. Criteria: GeneDx Variant Classification Process June 2021. Collection method: clinical testing. Allele origin: germline. Affected: yes.

NM_000535.7(PMS2):c.1145-11C>T

Gene: PMS2 (PMS1 homolog 2, mismatch repair system component; minus strand). Cytogenetic location: 7p22.1.
Variant type: single nucleotide variant.
Coding change: c.1145-11C>T on transcript NM_000535.7 (MANE Select); 11 bases into the intron before coding-DNA position 1145, C replaced by T.
Molecular consequence: intron variant.
Genome position (GRCh38, 1-based): chr7:5,987,631, G>A on the plus strand (C>T on the coding strand, the complement: PMS2 is on the minus strand). VCF-style: chr7-5987631-G-A. GRCh37 (hg19) VCF-style: chr7-6027262-G-A.
Other names: c.827-11C>T (NM_001322008.2, NM_001322007.2); c.584-11C>T (NM_001322010.2); c.740-11C>T (NM_001322004.2, NM_001322003.2, NM_001322009.2 and 1 more transcripts); c.572-11C>T (NM_001322013.2); c.212-11C>T (NM_001322012.2, NM_001322011.2); c.836-11C>T (NM_001322015.2); c.989-11C>T (NM_001322006.2); c.1145-11C>T (NM_001322014.2).
Identifiers: ClinVar variation 492248 (VCV000492248.19), dbSNP rs558565527, ClinGen allele CA042191.
Genomic context (GRCh38, chr7:5,987,631, plus strand): 5'-TTCTACCATGGGCTTTTCCAAATCCGCTGCATGCATTTTTATTAAGTTACCTAAGCAAAC[G>A]TGGACGGAGAAGAGGGTCAGGGACTATCCTGAAATGGTGAGAGGACGTGCTTATGTGAAC-3'